The following is an entry in ClinVar:

NM_194293.4(XIRP1):c.2568_2602del (p.Leu857fs)

Gene: XIRP1 (xin actin binding repeat containing 1; minus strand). Cytogenetic location: 3p22.2.
Variant type: Deletion.
Coding change: c.2568_2602del on transcript NM_194293.4 (MANE Select); coding-DNA positions 2568 to 2602, 35 bases deleted.
Protein change: p.Leu857fs; shifts the reading frame from leucine 857.
Molecular consequence: frameshift variant. On other transcripts: intron variant (1).
Genome position (GRCh38, 1-based): chr3:39,186,844-39,186,878, 35 bases deleted; deleting any 35 consecutive bases within chr3:39,186,844-39,186,880 gives the same sequence; the c. name uses the placement nearest the transcript's 3' end. GRCh37 (hg19): chr3:39,228,337-39,228,371.
Other names: c.2568_2602del, p.Leu857fs (NM_001198621.4); c.-167-1217_-167-1183del (NM_001351377.2); short protein forms L857fs.
Identifiers: ClinVar variation 4978192 (VCV004978192.1).

ClinVar aggregate classification (germline): Uncertain significance (1 of 4 stars; one submission).

Conditions:
XIRP1-related disorder. Also called: XIRP1-related condition.

Submission:

PreventionGenetics, part of Exact Sciences
Classification: Uncertain significance for XIRP1-related condition. Last evaluated: 2024-12-11. Review status: criteria provided, single submitter. Criteria: ACMG Guidelines, 2015. Collection method: clinical testing. Allele origin: germline.
Comment: The XIRP1 c.2568_2602del35 variant is predicted to result in a frameshift and premature protein termination (p.Leu857Trpfs*4). To our knowledge, this variant has not been reported in the literature or in a large population database (gnomAD), indicating this variant is rare. At this time, the clinical significance of this variant is uncertain due to the absence of conclusive functional and genetic evidence.